The following is an entry in ClinVar:

NM_004484.4(GPC3):c.383C>A (p.Ala128Asp)

Gene: GPC3 (glypican 3; minus strand). Cytogenetic location: Xq26.2.
Variant type: single nucleotide variant.
Coding change: c.383C>A on transcript NM_004484.4 (MANE Select); coding-DNA position 383, C replaced by A.
Protein change: p.Ala128Asp; replaces alanine 128 with aspartic acid.
Molecular consequence: missense variant.
Genome position (GRCh38, 1-based): chrX:133,754,131, G>T on the plus strand (C>A on the coding strand, the complement: GPC3 is on the minus strand). VCF-style: chrX-133754131-G-T. GRCh37 (hg19) VCF-style: chrX-132888158-G-T.
Other names: c.383C>A, p.Ala128Asp (NM_001164617.2); c.335C>A, p.Ala112Asp (NM_001164618.2); c.221C>A, p.Ala74Asp (NM_001164619.2); short protein forms A128D, A112D, A74D.
Identifiers: ClinVar variation 2824685 (VCV002824685.3), dbSNP rs2521358690, ClinGen allele CA414706762.

ClinVar aggregate classification (germline): Uncertain significance (1 of 4 stars; one submission).

Conditions:
Wilms tumor 1 (WT1). Also called: Wilms tumor, somatic. Identifiers: Orphanet 654, MedGen CN033288, MONDO:0008679, OMIM 194070.

Submission:

Labcorp Genetics (formerly Invitae), Labcorp
Classification: Uncertain significance for Wilms tumor 1. Last evaluated: 2022-12-29. Review status: criteria provided, single submitter. Criteria: Invitae Variant Classification Sherloc (09022015). Collection method: clinical testing. Allele origin: germline.
Comment: This sequence change replaces alanine, which is neutral and non-polar, with aspartic acid, which is acidic and polar, at codon 128 of the GPC3 protein (p.Ala128Asp). This variant is not present in population databases (gnomAD no frequency). This variant has not been reported in the literature in individuals affected with GPC3-related conditions. Advanced modeling of protein sequence and biophysical properties (such as structural, functional, and spatial information, amino acid conservation, physicochemical variation, residue mobility, and thermodynamic stability) performed at Invitae indicates that this missense variant is not expected to disrupt GPC3 protein function. In summary, the available evidence is currently insufficient to determine the role of this variant in disease. Therefore, it has been classified as a Variant of Uncertain Significance.